The following is an entry in ClinVar:

ClinVar aggregate classification (germline): Conflicting classifications of pathogenicity. Review status: criteria provided, conflicting classifications (1 of 4 stars). 5 submissions from 5 submitters: Uncertain significance (2); Likely benign (2). 1 of the submissions does not count toward it. Last evaluated 2026-01-02.

Conditions:
Inborn genetic diseases. Identifiers: MedGen C0950123, MeSH D030342.
PTPN23-related disorder. Also called: PTPN23-related condition.

Submissions (5):

Labcorp Genetics (formerly Invitae), Labcorp
Classification: Likely benign. Last evaluated: 2026-01-02. Review status: criteria provided, single submitter. Criteria: Invitae Variant Classification Sherloc (09022015). Collection method: clinical testing. Allele origin: germline.

Blueprint Genetics
Classification: Uncertain significance. Last evaluated: 2024-11-01. Review status: criteria provided, single submitter. Criteria: ACMG Guidelines, 2015. Collection method: clinical testing. Allele origin: germline.

GeneDx
Classification: Uncertain significance. Last evaluated: 2023-04-07. Review status: criteria provided, single submitter. Criteria: GeneDx Variant Classification Process June 2021. Collection method: clinical testing. Allele origin: germline. Affected: yes.
Comment: Has not been previously published as pathogenic or benign to our knowledge; In-frame insertion of 2 amino acids in a repeat region

Ambry Genetics
Classification: Likely benign for Inborn genetic diseases. Last evaluated: 2022-11-30. Review status: criteria provided, single submitter. Criteria: Ambry Variant Classification Scheme 2023. Collection method: clinical testing. Allele origin: germline.

PreventionGenetics, part of Exact Sciences
Classification: Likely benign for PTPN23-related condition. Last evaluated: 2019-05-07. Review status: no assertion criteria provided. Collection method: clinical testing. Allele origin: germline. Not counted in ClinVar's aggregate classification.
Comment: This variant is classified as likely benign based on ACMG/AMP sequence variant interpretation guidelines (Richards et al. 2015 PMID: 25741868, with internal and published modifications).

NM_015466.4(PTPN23):c.2856GCCCCA[4] (p.954QP[3])

Gene: PTPN23 (protein tyrosine phosphatase non-receptor type 23; plus strand). Cytogenetic location: 3p21.31.
Variant type: Microsatellite.
Coding change: c.2856GCCCCA[4] on transcript NM_015466.4 (MANE Select); four copies in a row of the 6-base unit GCCCCA starting at c.2856; the reference has three copies in a row; one copy, 6 bases duplicated.
Protein change: p.954QP[3].
Molecular consequence: inframe insertion.
Genome position (GRCh38, 1-based): chr3:47,410,666-47,410,671, GCCCCA duplicated; duplicating any 6 consecutive bases within chr3:47,410,654-47,410,671 gives the same sequence; the position shown is the placement nearest the transcript's 3' end. VCF-style (leftmost placement, unchanged base first): chr3-47410653-G-GGCCCCA. GRCh37 (hg19) VCF-style: chr3-47452143-G-GGCCCCA.
Other names: c.2868_2873dupGCCCCA (NM_015466.2); c.2478GCCCCA[4], p.828QP[3] (NM_001304482.2); c.2868_2873dup6 (NM_015466.3).
Identifiers: ClinVar variation 1627332 (VCV001627332.15), dbSNP rs552397269, ClinGen allele CA2366135.